The following is an entry in ClinVar:

ClinVar aggregate classification (germline): Uncertain significance (1 of 4 stars; one submission).

Allele frequency attached by ClinVar (database versions not stated): gnomAD 0.00001; ExAC 0.00003; TOPMed 0.00003.
gnomAD v4.1: 17 of 1,199,099 alleles (0.0014%); highest among the groups gnomAD compares: Admixed American, 0.037%; no homozygotes.

Submission:

Labcorp Genetics (formerly Invitae), Labcorp
Classification: Uncertain significance. Last evaluated: 2025-07-10. Review status: criteria provided, single submitter. Criteria: Invitae Variant Classification Sherloc (09022015). Collection method: clinical testing. Allele origin: germline.
Comment: This sequence change replaces glycine, which is neutral and non-polar, with glutamic acid, which is acidic and polar, at codon 228 of the COL4A6 protein (p.Gly228Glu). This variant is present in population databases (rs745825791, gnomAD 0.05%), and has an allele count higher than expected for a pathogenic variant. This variant has not been reported in the literature in individuals affected with COL4A6-related conditions. ClinVar contains an entry for this variant (Variation ID: 1516079). Invitae Evidence Modeling of protein sequence and biophysical properties (such as structural, functional, and spatial information, amino acid conservation, physicochemical variation, residue mobility, and thermodynamic stability) indicates that this missense variant is expected to disrupt COL4A6 protein function with a positive predictive value of 80%. In summary, the available evidence is currently insufficient to determine the role of this variant in disease. Therefore, it has been classified as a Variant of Uncertain Significance.

NM_033641.4(COL4A6):c.680G>A (p.Gly227Glu)

Gene: COL4A6 (collagen type IV alpha 6 chain; minus strand). Cytogenetic location: Xq22.3.
Variant type: single nucleotide variant.
Coding change: c.680G>A on transcript NM_033641.4 (MANE Select); coding-DNA position 680, G replaced by A.
Protein change: p.Gly227Glu; replaces glycine 227 with glutamic acid.
Molecular consequence: missense variant.
Genome position (GRCh38, 1-based): chrX:108,205,446, C>T on the plus strand (G>A on the coding strand, the complement: COL4A6 is on the minus strand). VCF-style: chrX-108205446-C-T. GRCh37 (hg19) VCF-style: chrX-107448676-C-T.
Other names: c.680G>A, p.Gly227Glu (NM_001287758.2, NM_001287759.2, NM_001287760.2); c.683G>A, p.Gly228Glu (NM_001847.4); short protein forms G228E, G227E.
Identifiers: ClinVar variation 1516079 (VCV001516079.6), dbSNP rs745825791, ClinGen allele CA10488058.